The following is an entry in ClinVar:

NM_004260.4(RECQL4):c.2266G>T (p.Val756Leu)

Gene: RECQL4 (RecQ like helicase 4; minus strand). Cytogenetic location: 8q24.3.
Variant type: single nucleotide variant.
Coding change: c.2266G>T on transcript NM_004260.4 (MANE Select); coding-DNA position 2266, G replaced by T.
Protein change: p.Val756Leu; replaces valine 756 with leucine.
Molecular consequence: missense variant.
Genome position (GRCh38, 1-based): chr8:144,513,415, C>A on the plus strand (G>T on the coding strand, the complement: RECQL4 is on the minus strand). VCF-style: chr8-144513415-C-A. GRCh37 (hg19) VCF-style: chr8-145738799-C-A.
Other names: c.2266G>T, p.Val756Leu (NM_001413019.1, NM_001413036.1); c.2170G>T, p.Val724Leu (NM_001413020.1); c.1195G>T, p.Val399Leu (NM_001413021.1, NM_001413022.1, NM_001413023.1 and 5 more transcripts); c.2137G>T, p.Val713Leu (NM_001413025.1); c.1129G>T, p.Val377Leu (NM_001413027.1, NM_001413030.1, NM_001413032.1 and 1 more transcripts); c.1915G>T, p.Val639Leu (NM_001413029.1); c.997G>T, p.Val333Leu (NM_001413031.1); c.2134G>T, p.Val712Leu (NM_001413033.1); and 4 more; short protein forms V639L, V713L, V267L, V712L, V724L, V746L, V377L, V399L.
Identifiers: ClinVar variation 2173164 (VCV002173164.1), dbSNP rs1319987748, ClinGen allele CA4948353.

ClinVar aggregate classification (germline): Uncertain significance (1 of 4 stars; one submission).

Conditions:
Baller-Gerold syndrome (BGS). Also called: CRANIOSYNOSTOSIS WITH RADIAL DEFECTS. Identifiers: Orphanet 1225, MedGen C0265308, MONDO:0009039, OMIM 218600.

gnomAD v4.1: 1 of 1,609,218 alleles (0.000062%); highest among the groups gnomAD compares: South Asian, 0.0011%; no homozygotes.

Submission:

Labcorp Genetics (formerly Invitae), Labcorp
Classification: Uncertain significance for Baller-Gerold syndrome. Last evaluated: 2021-12-23. Review status: criteria provided, single submitter. Criteria: Invitae Variant Classification Sherloc (09022015). Collection method: clinical testing. Allele origin: germline.
Comment: This sequence change replaces valine, which is neutral and non-polar, with leucine, which is neutral and non-polar, at codon 756 of the RECQL4 protein (p.Val756Leu). The frequency data for this variant in the population databases is considered unreliable, as metrics indicate poor data quality at this position in the gnomAD database. This variant has not been reported in the literature in individuals affected with RECQL4-related conditions. Experimental studies and prediction algorithms are not available or were not evaluated, and the functional significance of this variant is currently unknown. In summary, the available evidence is currently insufficient to determine the role of this variant in disease. Therefore, it has been classified as a Variant of Uncertain Significance.